The following is an entry in ClinVar:

NM_057175.5(NAA15):c.1631T>C (p.Leu544Pro)

Gene: NAA15 (N-alpha-acetyltransferase 15, NatA auxiliary subunit; plus strand). Cytogenetic location: 4q31.1.
Variant type: single nucleotide variant.
Coding change: c.1631T>C on transcript NM_057175.5 (MANE Select); coding-DNA position 1631, T replaced by C.
Protein change: p.Leu544Pro; replaces leucine 544 with proline.
Molecular consequence: missense variant.
Genome position (GRCh38, 1-based): chr4:139,361,815, T>C. VCF-style: chr4-139361815-T-C. GRCh37 (hg19) VCF-style: chr4-140282969-T-C.
Other names: short protein forms L544P.
Identifiers: ClinVar variation 1699880 (VCV001699880.4), dbSNP rs2110959806, ClinGen allele CA358268369.
Genomic context (GRCh38, chr4:139,361,815, plus strand): 5'-ACTTTCATACATACTGTATGAGGAAGATTACCCTTAGATCATATGTGGACTTATTAAAAC[T>C]AGAAGATGTACTTCGACAGCATCCATTTTACTTCAAGGCAGCAAGAATTGCTATAGAGAT-3'
Protein context (NP_476516.1, residues 534-554): TLRSYVDLLK[Leu544Pro]EDVLRQHPFY

ClinVar aggregate classification (germline): Conflicting classifications of pathogenicity. Review status: criteria provided, conflicting classifications (1 of 4 stars). 2 submissions from 2 submitters: Likely pathogenic (1); Uncertain significance (1). Last evaluated 2025-01-31.

Conditions:
Inborn genetic diseases. Identifiers: MedGen C0950123, MeSH D030342.

Submissions (2):

Ambry Genetics
Classification: Uncertain significance for Inborn genetic diseases. Last evaluated: 2025-01-31. Review status: criteria provided, single submitter. Criteria: Ambry Variant Classification Scheme 2023. Collection method: clinical testing. Allele origin: germline.

GeneDx
Classification: Likely pathogenic. Last evaluated: 2024-04-04. Review status: criteria provided, single submitter. Criteria: GeneDx Variant Classification Process June 2021. Collection method: clinical testing. Allele origin: germline.
Comment: Not observed at significant frequency in large population cohorts (gnomAD); In silico analysis supports that this missense variant has a deleterious effect on protein structure/function; Has not been previously published as pathogenic or benign to our knowledge